The following is an entry in ClinVar:

ClinVar aggregate classification (germline): Uncertain significance (1 of 4 stars; one submission).

Submission:

GeneDx
Classification: Uncertain significance. Last evaluated: 2025-02-10. Review status: criteria provided, single submitter. Criteria: GeneDx Variant Classification Process June 2021. Collection method: clinical testing. Allele origin: germline. Affected: yes.
Comment: Not observed at significant frequency in large population cohorts (gnomAD); In silico analysis supports that this missense variant has a deleterious effect on protein structure/function; Has not been previously published as pathogenic or benign to our knowledge

NM_006922.4(SCN3A):c.3067C>G (p.Arg1023Gly)

Gene: SCN3A (sodium voltage-gated channel alpha subunit 3; minus strand). Cytogenetic location: 2q24.3.
Variant type: single nucleotide variant.
Coding change: c.3067C>G on transcript NM_006922.4 (MANE Select); coding-DNA position 3067, C replaced by G.
Protein change: p.Arg1023Gly; replaces arginine 1023 with glycine.
Molecular consequence: missense variant.
Genome position (GRCh38, 1-based): chr2:165,127,957, G>C on the plus strand (C>G on the coding strand, the complement: SCN3A is on the minus strand). VCF-style: chr2-165127957-G-C. GRCh37 (hg19) VCF-style: chr2-165984467-G-C.
Other names: c.2920C>G, p.Arg974Gly (NM_001081676.2, NM_001081677.2); short protein forms R1023G, R974G.
Identifiers: ClinVar variation 4074685 (VCV004074685.1).